The following is an entry in ClinVar:

NM_000518.5(HBB):c.*110T>C

Genes: HBB (hemoglobin subunit beta; minus strand), LOC107133510 (origin of replication at HBB; plus strand), LOC110006319 (beta-globin gene 3' regulatory region; plus strand). Cytogenetic location: 11p15.4.
Variant type: single nucleotide variant.
Coding change: c.*110T>C on transcript NM_000518.5 (MANE Select); 110 bases downstream of the stop codon, T replaced by C.
Molecular consequence: 3 prime UTR variant.
Genome position (GRCh38, 1-based): chr11:5,225,488, A>G on the plus strand (T>C on the coding strand, the complement: HBB is on the minus strand). VCF-style: chr11-5225488-A-G. GRCh37 (hg19) VCF-style: chr11-5246718-A-G.
Other names: AACAAA; 3-UNT, T-C, +3.
Identifiers: ClinVar variation 36332 (VCV000036332.121), dbSNP rs33978907, ClinGen allele CA213889.

ClinVar aggregate classification (germline): Pathogenic. Review status: criteria provided, multiple submitters, no conflicts (2 of 4 stars). 16 submissions from 16 submitters: Pathogenic (13). 3 of the submissions do not count toward it. Last evaluated 2026-03-20.

Conditions:
Hb SS disease (SCD). Also called: Hemoglobin SS; Sickle cell anemia; Sickle cell disease; HbS disease; Hemoglobin S Disease; Sickling disorder due to hemoglobin S. Identifiers: Orphanet 232, Orphanet 275752, MedGen C0002895, MONDO:0011382, OMIM 603903.
Heinz body anemia. Also called: Heinz body hemolytic anemia. Identifiers: Orphanet 178330, MedGen C0700299, MONDO:0007705, OMIM 140700, HP:0005511.
Dominant beta-thalassemia. Also called: Beta-thalassemia, dominant inclusion body type. Identifiers: Orphanet 231226, Orphanet 848, MedGen C1858990, MONDO:0011381, OMIM 603902.
Beta-thalassemia HBB/LCRB. Identifiers: MedGen CN322236, MONDO:0013517, OMIM 613985.
Erythrocytosis, familial, 6. Also called: POLYCYTHEMIA, BETA-GLOBIN TYPE; ERYTHROCYTOSIS, BETA-GLOBIN TYPE. Identifiers: MedGen C4693822, MONDO:0054801, OMIM 617980.
METHEMOGLOBINEMIA, BETA TYPE. Also called: Methemoglobinemia, beta-globin type. Identifiers: MedGen C1840779, OMIM 617971.
Malaria, susceptibility to. Identifiers: Orphanet 673, MedGen C1970028, MONDO:0021024, OMIM 611162.
Hereditary persistence of fetal hemoglobin. Identifiers: MedGen C0019025, MONDO:0020989, OMIM 141749.
HBB-related disorder. Also called: HBB-related disorders; HBB-related condition. Identifiers: MedGen CN239378.
beta Thalassemia (BTHAL). Also called: Cooley's anemia; Erythroblastic anemia; Mediterranean anemia. Identifiers: Orphanet 848, MedGen C0005283, MONDO:0019402. Disease mechanism: loss of function.
BETA-PLUS-THALASSEMIA. Identifiers: MedGen C3841475.

Allele frequency attached by ClinVar (database versions not stated): gnomAD exomes 0.00001; gnomAD 0.00005; TOPMed 0.00010; 1000 Genomes Project 30x 0.00016; 1000 Genomes Project 0.00020.
gnomAD v4.1: 18 of 1,014,924 alleles (0.0018%); highest among the groups gnomAD compares: African/African-American, 0.016%; no homozygotes.

Submissions (16):

GeneDx
Classification: Pathogenic. Last evaluated: 2026-03-20. Review status: criteria provided, single submitter. Criteria: GeneDx Variant Classification Process June 2021. Collection method: clinical testing. Allele origin: germline.
Comment: Located in a regulatory region; in the absence of functional studies, the actual effect of this sequence change is unknown; This variant is associated with the following publications: (PMID: 29669226, 1787101, 30275481, 31286593, 37745687, 35023007, 37310050, 23590658, 21119755, 32172616, 28865746, 30842225, 18294253, 21316031, 22690826, 4018033, 20301599)

Natera, Inc.
Classification: Pathogenic for Beta thalassemia. Last evaluated: 2025-09-30. Review status: criteria provided, single submitter. Criteria: Natera Variant Classification Schema (03/2026). Collection method: clinical testing. Allele origin: germline.
Comment: The c.*110T>C variant in HBB is a 3' untranslated region (UTR) variant located downstream of the translation stop codon. This variant is rare in the general population with a frequency below the threshold expected for the associated phenotype(s). This variant has been observed in one or more individuals affected with the associated recessive disease, as either homozygous or compound heterozygous with a second variant (PMID: 22690826, 22734501). Given the available evidence, this variant is classified as Pathogenic.

ARUP Laboratories, Molecular Genetics and Genomics, ARUP Laboratories
Classification: Pathogenic. Last evaluated: 2025-05-23. Review status: criteria provided, single submitter. Criteria: ARUP Molecular Germline Variant Investigation Process 2024. Collection method: clinical testing. Allele origin: germline.
Comment: The HBB c.*110T>C variant (rs33978907, HbVar ID: 968), also known as Poly A (T->C), has been reported in multiple patients diagnosed with beta (+) thalassemia, and has been found in a homozygous state, or in-trans with other pathogenic variants (Hoppe 2013, Italia 2012, Orkin 1985, Sinha 2009, Sivalingam 2012, see link to HbVar). Functional characterization of the variant indicates the loss of the canonical polyadenylation site, resulting in an elongated HBB transcript that is less efficiently processed by a downstream cryptic polyadenylation site (Orkin 1985). This variant is listed as pathogenic by multiple laboratories in ClinVar (Variation ID: 36332), and is only observed on two alleles in the Genome Aggregation Database, indicating it is not a common polymorphism. This variant is located in a conserved region of the 3' UTR, and computational algorithms (Poly A miner) predict an impact on the transcript, consistent with observations from the functional study. Based on available information, the c.*110T>C variant is considered to be pathogenic. References: Link to HbVar database: Hoppe CC. Prenatal and newborn screening for hemoglobinopathies. Int J Lab Hematol. 2013 Jun;35(3):297-305. PMID: 23590658. Italia K et al. Variable haematological and clinical presentation of beta-thalassaemia carriers and homozygotes with the Poly A (T?C) mutation in the Indian population. Eur J Haematol. 2012; 89(2):160-4. PMID: 22690826. Orkin S et al. Thalassemia due to a mutation in the cleavage-polyadenylation signal of the human beta-globin gene. EMBO J. 1985; 4(2):453-6. PMID: 4018033. Sinha S et al. Profiling beta-thalassaemia mutations in India at state and regional levels: implications for genetic education, screening and counselling programmes. Hugo J. 2009 Dec;3(1-4):51-62. PMID: 21119755. Sivalingam M et al. Molecular study and genotype/phenotype correlation of beta thalassemia in Malaysia. Int J Lab Hematol. 2012 Aug;34(4):377-82. PMID: 22335963.

Fulgent Genetics
Classification: Pathogenic for Heinz body anemia; Hereditary persistence of fetal hemoglobin; Dominant beta-thalassemia; Hb SS disease; Malaria, susceptibility to; Beta-thalassemia HBB/LCRB; METHEMOGLOBINEMIA, BETA TYPE; Erythrocytosis, familial, 6. Last evaluated: 2024-03-20. Review status: criteria provided, single submitter. Criteria: ACMG Guidelines, 2015. Collection method: clinical testing. Allele origin: germline.

Laboratory of Medical Genetics, National & Kapodistrian University of Athens
Classification: Pathogenic for Beta-thalassemia HBB/LCRB. Last evaluated: 2024-02-01. Review status: criteria provided, single submitter. Criteria: ACMG Guidelines, 2015. Collection method: curation. Allele origin: germline. Affected: no.

Neuberg Centre For Genomic Medicine, NCGM
Classification: Pathogenic for Beta-thalassemia HBB/LCRB. Last evaluated: 2024-02-01. Review status: criteria provided, single submitter. Criteria: ACMG Guidelines, 2015. Collection method: clinical testing. Allele origin: germline. Inheritance: Autosomal recessive inheritance. Affected: yes.
Comment: The 3' UTR variant c.*110T>C in HBB gene has been reported previously in homozygous/ compound heterozygous states in multiple individuals affected with beta-thalassemia (Altay et al., 1991; Orkin et al., 1985). It has also been observed to segregate with disease in related individuals. Experimental studies have shown that this variant results in the activation of a cryptic splice site in 3' UTR (Orkin et al., 1985). The variant of interest is located within the known "polyA' tail, thus expected to alter mRNA expression, which is supported by Orkin_1985 functional findings and is implicated to be the third most common allele in India. Homozygous variant can present with moderate to severe beta thalassemia.(Italia K, et al., 2012)

Labcorp Genetics (formerly Invitae), Labcorp
Classification: Pathogenic. Last evaluated: 2023-12-12. Review status: criteria provided, single submitter. Criteria: Invitae Variant Classification Sherloc (09022015). Collection method: clinical testing. Allele origin: germline.
Comment: This variant occurs in a non-coding region of the HBB gene. It does not change the encoded amino acid sequence of the HBB protein. RNA analysis indicates that this variant induces altered splicing and likely results in the gain of multiple amino acid residue(s), but is expected to preserve the integrity of the reading-frame. This variant is present in population databases (rs33978907, gnomAD 0.03%). This variant has been observed in individuals with beta-thalassemia (PMID: 1787101, 4018033, 22335963, 22690826, 23590658). It has also been observed to segregate with disease in related individuals. ClinVar contains an entry for this variant (Variation ID: 36332). Studies have shown that this variant results in the activation of a cryptic splice site in 3' UTR (PMID: 4018033). For these reasons, this variant has been classified as Pathogenic.

Revvity Omics, Revvity
Classification: Pathogenic. Last evaluated: 2023-10-26. Review status: criteria provided, single submitter. Criteria: ACMG Guidelines, 2015. Collection method: clinical testing. Allele origin: germline.

Mayo Clinic Laboratories, Mayo Clinic
Classification: Pathogenic. Last evaluated: 2021-06-11. Review status: criteria provided, single submitter. Criteria: ACMG Guidelines, 2015. Collection method: clinical testing. Allele origin: germline.

Women's Health and Genetics/Laboratory Corporation of America, LabCorp
Classification: Pathogenic for beta Thalassemia. Last evaluated: 2020-03-05. Review status: criteria provided, single submitter. Criteria: LabCorp Variant Classification Summary - May 2015. Collection method: clinical testing. Allele origin: germline.
Comment: Variant summary: HBB c.*110T>C is located in the 3UTR downstream of the termination codon involves the alteration of a conserved nucleotide. The variant of interest is located within the known "polyA' tail, thus expected to alter mRNA expression, which is supported by Orkin_1985 functional findings. The variant allele was found at a frequency of 6.4e-05 in 31396 control chromosomes (gnomAD), which does not exceed the estimated maximal expected allele frequency of a pathogenic HBB variant (0.011). c.*110T>C has been reported in the literature in multiple individuals affected with Beta Thalassemia and implicated to be the third most common allele in India (Orkin_1985, Sinha_2009, Italia_2012). These data indicate that the variant is very likely to be associated with disease. Five ClinVar submitters (evaluation after 2014) cite the variant as pathogenic (4x) and likely pathogenic (1x). Based on the evidence outlined above, the variant was classified as pathogenic.

Blueprint Genetics
Classification: Pathogenic for HBB-related disorders. Last evaluated: 2019-05-17. Review status: criteria provided, single submitter. Criteria: ACMG Guidelines, 2015. Collection method: clinical testing. Allele origin: germline. Affected: yes. Observed: 2 variant alleles.

Quest Diagnostics Nichols Institute San Juan Capistrano
Classification: Pathogenic. Last evaluated: 2017-06-30. Review status: criteria provided, single submitter. Criteria: Quest Diagnostics criteria. Collection method: clinical testing. Allele origin: germline.

Baylor Genetics
Classification: Pathogenic for Hb SS disease. Review status: criteria provided, single submitter. Criteria: ACMG Guidelines, 2015. Collection method: clinical testing. Allele origin: germline.

Counsyl
Classification: Pathogenic for Beta-thalassemia HBB/LCRB. Last evaluated: 2015-11-16. Review status: no assertion criteria provided. Collection method: clinical testing. Allele origin: unknown. Not counted in ClinVar's aggregate classification.

OMIM
Classification: Pathogenic for BETA-PLUS-THALASSEMIA. Last evaluated: 1985-02-01. Review status: no assertion criteria provided. Collection method: literature only. Allele origin: germline. Not counted in ClinVar's aggregate classification.

GeneReviews
No classification provided. Condition: beta Thalassemia. Review status: no classification provided. Collection method: literature only. Allele origin: germline. Not counted in ClinVar's aggregate classification.

Literature cited by the submitters: PubMed 22690826 (cited by 5 submitters); PubMed 22734501 (cited by Natera, Inc.); PubMed 1787101 (cited by Labcorp Genetics (formerly Invitae), Labcorp); PubMed 4018033 (cited by 5 submitters); PubMed 22335963 (cited by Labcorp Genetics (formerly Invitae), Labcorp and Quest Diagnostics Nichols Institute San Juan Capistrano); PubMed 23590658 (cited by Labcorp Genetics (formerly Invitae), Labcorp and Quest Diagnostics Nichols Institute San Juan Capistrano); PubMed 21119755 (cited by Women's Health and Genetics/Laboratory Corporation of America, LabCorp); PubMed 18294253 (cited by Counsyl); NCBI Bookshelf NBK1426 (cited by GeneReviews).